The following is an entry in ClinVar:

ClinVar aggregate classification (germline): Likely benign. Review status: criteria provided, multiple submitters, no conflicts (2 of 4 stars). 3 submissions from 3 submitters: Likely benign (3). Last evaluated 2026-03-01.

Conditions:
Congenital myasthenic syndrome 8. Also called: MYASTHENIC SYNDROME, CONGENITAL, DUE TO AGRIN DEFICIENCY; Myasthenic syndrome, congenital, 8, with pre- and postsynaptic defects. Identifiers: Orphanet 590, MedGen C3808739, MONDO:0014052, OMIM 615120.

Allele frequency attached by ClinVar (database versions not stated): gnomAD exomes 0.00022 and 0.00038; ExAC 0.00025; TOPMed 0.00026; gnomAD 0.00027 and 0.00028; ESP Exome Variant Server 0.00031.
gnomAD v4.1: 613 of 1,611,578 alleles (0.038%); highest among the groups gnomAD compares: Non-Finnish European, 0.043%; no homozygotes.

Submissions (3):

CeGaT Center for Human Genetics Tuebingen
Classification: Likely benign. Last evaluated: 2026-03-01. Review status: criteria provided, single submitter. Criteria: CeGaT Center For Human Genetics Tuebingen Variant Classification Criteria Version 2. Collection method: clinical testing. Allele origin: germline. Affected: yes. Observed: 3 variant alleles.
Comment: AGRN: BP4, BP7

Labcorp Genetics (formerly Invitae), Labcorp
Classification: Likely benign for Congenital myasthenic syndrome 8. Last evaluated: 2026-01-12. Review status: criteria provided, single submitter. Criteria: Invitae Variant Classification Sherloc (09022015). Collection method: clinical testing. Allele origin: germline.

Blueprint Genetics
Classification: Likely benign. Last evaluated: 2024-11-18. Review status: criteria provided, single submitter. Criteria: ACMG Guidelines, 2015. Collection method: clinical testing. Allele origin: germline.

NM_198576.4(AGRN):c.1209C>T (p.Ala403=)

Gene: AGRN (agrin; plus strand). Cytogenetic location: 1p36.33.
Variant type: single nucleotide variant.
Coding change: c.1209C>T on transcript NM_198576.4 (MANE Select); coding-DNA position 1209, C replaced by T.
Protein change: p.Ala403=; no amino-acid change (alanine 403 retained).
Molecular consequence: synonymous variant.
Genome position (GRCh38, 1-based): chr1:1,041,987, C>T. VCF-style: chr1-1041987-C-T. GRCh37 (hg19) VCF-style: chr1-977367-C-T.
Other names: c.1209C>T, p.Ala403= (NM_001305275.2); c.894C>T, p.Ala298= (NM_001364727.2).
Identifiers: ClinVar variation 541201 (VCV000541201.36), dbSNP rs368625531, ClinGen allele CA508074.